The following is an entry in ClinVar:

NM_001379110.1(SLC9A6):c.497G>A (p.Gly166Glu)

Gene: SLC9A6 (solute carrier family 9 member A6; plus strand). Cytogenetic location: Xq26.3.
Variant type: single nucleotide variant.
Coding change: c.497G>A on transcript NM_001379110.1 (MANE Select); coding-DNA position 497, G replaced by A.
Protein change: p.Gly166Glu; replaces glycine 166 with glutamic acid.
Molecular consequence: missense variant.
Genome position (GRCh38, 1-based): chrX:135,998,531, G>A. VCF-style: chrX-135998531-G-A. GRCh37 (hg19) VCF-style: chrX-135080690-G-A.
Other names: c.653G>A, p.Gly218Glu (NM_001042537.2); c.497G>A, p.Gly166Glu (NM_001177651.2, NM_001400909.1, NM_001400910.1 and 2 more transcripts); c.401G>A, p.Gly134Glu (NM_001330652.2, NM_001400913.1); c.557G>A, p.Gly186Glu (NM_006359.3); short protein forms G134E, G166E, G186E, G218E.
Identifiers: ClinVar variation 3372940 (VCV003372940.1).

ClinVar aggregate classification (germline): Uncertain significance (1 of 4 stars; one submission).

Submission:

GeneDx
Classification: Uncertain significance. Last evaluated: 2024-04-29. Review status: criteria provided, single submitter. Criteria: GeneDx Variant Classification Process June 2021. Collection method: clinical testing. Allele origin: germline. Affected: yes.
Comment: Not observed at significant frequency in large population cohorts (gnomAD); In silico analysis supports that this missense variant has a deleterious effect on protein structure/function; Has not been previously published as pathogenic or benign to our knowledge